The following is an entry in ClinVar:

NM_206926.2(SELENON):c.1249C>G (p.Leu417Val)

Gene: SELENON (selenoprotein N; plus strand). Cytogenetic location: 1p36.11.
Variant type: single nucleotide variant.
Coding change: c.1249C>G on transcript NM_206926.2 (MANE Select); coding-DNA position 1249, C replaced by G.
Protein change: p.Leu417Val; replaces leucine 417 with valine.
Molecular consequence: missense variant.
Genome position (GRCh38, 1-based): chr1:25,812,756, C>G. VCF-style: chr1-25812756-C-G. GRCh37 (hg19) VCF-style: chr1-26139247-C-G.
Other names: c.1351C>G, p.Leu451Val (NM_020451.3); short protein forms L451V, L417V.
Identifiers: ClinVar variation 596468 (VCV000596468.13), dbSNP rs200431320, ClinGen allele CA696833.

ClinVar aggregate classification (germline): Uncertain significance. Review status: criteria provided, multiple submitters, no conflicts (2 of 4 stars). 4 submissions from 4 submitters: Uncertain significance (4). Last evaluated 2022-07-06.

Conditions:
Eichsfeld type congenital muscular dystrophy (CMYO3). Also called: MYOPATHY, SEPN1-RELATED; Rigid spine muscular dystrophy 1; SELENON-related myopathy; Congenital myopathy 3 with rigid spine. Identifiers: MedGen C0410180, MONDO:0100100, OMIM 602771.

Allele frequency attached by ClinVar (database versions not stated): ESP Exome Variant Server 0.00008; TOPMed 0.00014; 1000 Genomes Project 0.00020; 1000 Genomes Project 30x 0.00031.

Submissions (4):

Labcorp Genetics (formerly Invitae), Labcorp
Classification: Uncertain significance for Eichsfeld type congenital muscular dystrophy. Last evaluated: 2022-07-06. Review status: criteria provided, single submitter. Criteria: Invitae Variant Classification Sherloc (09022015). Collection method: clinical testing. Allele origin: germline.
Comment: This sequence change replaces leucine, which is neutral and non-polar, with valine, which is neutral and non-polar, at codon 451 of the SELENON protein (p.Leu451Val). This variant is present in population databases (rs200431320, gnomAD 0.04%). This variant has not been reported in the literature in individuals affected with SELENON-related conditions. ClinVar contains an entry for this variant (Variation ID: 596468). Algorithms developed to predict the effect of missense changes on protein structure and function are either unavailable or do not agree on the potential impact of this missense change (SIFT: "Deleterious"; PolyPhen-2: "Benign"; Align-GVGD: "Class C0"). In summary, the available evidence is currently insufficient to determine the role of this variant in disease. Therefore, it has been classified as a Variant of Uncertain Significance.

Revvity Omics, Revvity
Classification: Uncertain significance for Eichsfeld type congenital muscular dystrophy. Last evaluated: 2020-02-26. Review status: criteria provided, single submitter. Criteria: ACMG Guidelines, 2015. Collection method: clinical testing. Allele origin: germline.

GeneDx
Classification: Uncertain significance. Last evaluated: 2019-01-23. Review status: criteria provided, single submitter. Criteria: GeneDx Variant Classification Process June 2021. Collection method: clinical testing. Allele origin: germline. Affected: yes.
Comment: In silico analysis, which includes protein predictors and evolutionary conservation, supports that this variant does not alter protein structure/function; Has not been previously published as pathogenic or benign to our knowledge

Eurofins Ntd Llc (ga)
Classification: Uncertain significance. Last evaluated: 2018-03-06. Review status: criteria provided, single submitter. Criteria: EGL ClinVar v180209 classification definitions. Collection method: clinical testing. Allele origin: germline. Observed: 1 variant allele, 1 heterozygote.